The following is an entry in ClinVar:

NM_004356.4(CD81):c.561G>C (p.Lys187Asn)

Gene: CD81 (CD81 molecule; plus strand). Cytogenetic location: 11p15.5.
Variant type: single nucleotide variant.
Coding change: c.561G>C on transcript NM_004356.4 (MANE Select); coding-DNA position 561, G replaced by C.
Protein change: p.Lys187Asn; replaces lysine 187 with asparagine.
Molecular consequence: missense variant.
Genome position (GRCh38, 1-based): chr11:2,395,970, G>C. VCF-style: chr11-2395970-G-C. GRCh37 (hg19) VCF-style: chr11-2417200-G-C.
Other names: c.348G>C, p.Lys116Asn (NM_001297649.2, NM_001425129.1, NM_001425130.1 and 4 more transcripts); c.684G>C, p.Lys228Asn (NM_001425135.1); c.561G>C, p.Lys187Asn (NM_001425137.1); short protein forms K228N, K187N, K116N.
Identifiers: ClinVar variation 4731008 (VCV004731008.1).

ClinVar aggregate classification (germline): Uncertain significance (1 of 4 stars; one submission).

Submission:

Labcorp Genetics (formerly Invitae), Labcorp
Classification: Uncertain significance. Last evaluated: 2025-11-12. Review status: criteria provided, single submitter. Criteria: Invitae Variant Classification Sherloc (09022015). Collection method: clinical testing. Allele origin: germline.
Comment: This sequence change replaces lysine, which is basic and polar, with asparagine, which is neutral and polar, at codon 187 of the CD81 protein (p.Lys187Asn). This variant also falls at the last nucleotide of exon 6, which is part of the consensus splice site for this exon. This variant is not present in population databases (gnomAD no frequency). This variant has not been reported in the literature in individuals affected with CD81-related conditions. An algorithm developed to predict the effect of missense changes on protein structure and function (PolyPhen-2) suggests that this variant is likely to be tolerated. Variants that disrupt the consensus splice site are a relatively common cause of aberrant splicing (PMID: 17576681, 9536098). Algorithms developed to predict the effect of sequence changes on RNA splicing suggest that this variant may disrupt the consensus splice site. In summary, the available evidence is currently insufficient to determine the role of this variant in disease. Therefore, it has been classified as a Variant of Uncertain Significance.

Literature cited by the submitters: PubMed 17576681; PubMed 9536098.